The following is an entry in ClinVar:

ClinVar aggregate classification (germline): Uncertain significance (1 of 4 stars; one submission).

Allele frequency attached by ClinVar (database versions not stated): gnomAD exomes below 0.00001; ExAC 0.00001; gnomAD 0.00001.
gnomAD v4.1: 3 of 1,614,036 alleles (0.00019%); highest among the groups gnomAD compares: South Asian, 0.0033%; no homozygotes.

Submission:

Labcorp Genetics (formerly Invitae), Labcorp
Classification: Uncertain significance. Last evaluated: 2021-03-13. Review status: criteria provided, single submitter. Criteria: Invitae Variant Classification Sherloc (09022015). Collection method: clinical testing. Allele origin: germline.
Comment: In summary, the available evidence is currently insufficient to determine the role of this variant in disease. Therefore, it has been classified as a Variant of Uncertain Significance. Nucleotide substitutions within the consensus splice site are a relatively common cause of aberrant splicing (PMID: 17576681, 9536098). Algorithms developed to predict the effect of sequence changes on RNA splicing suggest that this variant may disrupt the consensus splice site, but this prediction has not been confirmed by published transcriptional studies. This variant has not been reported in the literature in individuals with ARSG-related conditions. This variant is present in population databases (rs747164260, ExAC 0.006%). This sequence change falls in intron 6 of the ARSG gene. It does not directly change the encoded amino acid sequence of the ARSG protein. It affects a nucleotide within the consensus splice site of the intron.

Literature cited by the submitters: PubMed 17576681; PubMed 9536098.

NM_001267727.2(ARSG):c.704+3G>T

Genes: ARSG (arylsulfatase G; plus strand), LOC130061524 (ATAC-STARR-seq lymphoblastoid active region 12647; plus strand). Cytogenetic location: 17q24.2.
Variant type: single nucleotide variant.
Coding change: c.704+3G>T on transcript NM_001267727.2 (MANE Select); 3 bases into the intron after coding-DNA position 704, G replaced by T.
Molecular consequence: intron variant.
Genome position (GRCh38, 1-based): chr17:68,356,807, G>T. VCF-style: chr17-68356807-G-T. GRCh37 (hg19) VCF-style: chr17-66352948-G-T.
Other names: c.704+3G>T (NM_001352904.2, NM_014960.5, NM_001352903.2 and 8 more transcripts); c.656+3G>T (NM_001352909.2).
Identifiers: ClinVar variation 1368564 (VCV001368564.6), dbSNP rs747164260, ClinGen allele CA8728316.